The following is an entry in ClinVar:

NM_057175.5(NAA15):c.440A>G (p.Gln147Arg)

Gene: NAA15 (N-alpha-acetyltransferase 15, NatA auxiliary subunit; plus strand). Cytogenetic location: 4q31.1.
Variant type: single nucleotide variant.
Coding change: c.440A>G on transcript NM_057175.5 (MANE Select); coding-DNA position 440, A replaced by G.
Protein change: p.Gln147Arg; replaces glutamine 147 with arginine.
Molecular consequence: missense variant.
Genome position (GRCh38, 1-based): chr4:139,342,863, A>G. VCF-style: chr4-139342863-A-G. GRCh37 (hg19) VCF-style: chr4-140264017-A-G.
Other names: c.440A>G, p.Gln147Arg (NM_001410842.1); short protein forms Q147R.
Identifiers: ClinVar variation 3620672 (VCV003620672.2).

ClinVar aggregate classification (germline): Uncertain significance (1 of 4 stars; one submission).

Submission:

Labcorp Genetics (formerly Invitae), Labcorp
Classification: Uncertain significance. Last evaluated: 2024-04-25. Review status: criteria provided, single submitter. Criteria: Invitae Variant Classification Sherloc (09022015). Collection method: clinical testing. Allele origin: germline.
Comment: This sequence change replaces glutamine, which is neutral and polar, with arginine, which is basic and polar, at codon 147 of the NAA15 protein (p.Gln147Arg). This variant is not present in population databases (gnomAD no frequency). This variant has not been reported in the literature in individuals affected with NAA15-related conditions. An algorithm developed to predict the effect of missense changes on protein structure and function (PolyPhen-2) suggests that this variant is likely to be disruptive. In summary, the available evidence is currently insufficient to determine the role of this variant in disease. Therefore, it has been classified as a Variant of Uncertain Significance.